The following is an entry in ClinVar:

NM_000152.5(GAA):c.328T>C (p.Tyr110His)

Gene: GAA (alpha glucosidase; plus strand). Cytogenetic location: 17q25.3.
Variant type: single nucleotide variant.
Coding change: c.328T>C on transcript NM_000152.5 (MANE Select); coding-DNA position 328, T replaced by C.
Protein change: p.Tyr110His; replaces tyrosine 110 with histidine.
Molecular consequence: missense variant.
Genome position (GRCh38, 1-based): chr17:80,104,914, T>C. VCF-style: chr17-80104914-T-C. GRCh37 (hg19) VCF-style: chr17-78078713-T-C.
Other names: c.328T>C, p.Tyr110His (NM_001079803.3, NM_001079804.3); short protein forms Y110H.
Identifiers: ClinVar variation 861916 (VCV000861916.10), dbSNP rs761311330, ClinGen allele CA8814851.
Genomic context (GRCh38, chr17:80,104,914, plus strand): 5'-TTCGATTGCGCCCCTGACAAGGCCATCACCCAGGAACAGTGCGAGGCCCGCGGCTGTTGC[T>C]ACATCCCTGCAAAGCAGGGGCTGCAGGGAGCCCAGATGGGGCAGCCCTGGTGCTTCTTCC-3'
Protein context (NP_000143.2, residues 100-120): QEQCEARGCC[Tyr110His]IPAKQGLQGA

ClinVar aggregate classification (germline): Uncertain significance. Review status: criteria provided, single submitter (1 of 4 stars). 2 submissions from 2 submitters: Uncertain significance (1). 1 of the submissions does not count toward it. Last evaluated 2022-10-03.

Conditions:
Glycogen storage disease, type II (IOPD). Also called: Glucosidase acid-1,4-alpha deficiency; Pompe Disease; GLYCOGENOSIS, GENERALIZED, CARDIAC FORM; GSD II; Glycogen storage disease type 2; Acid maltase deficiency disease. Identifiers: Orphanet 365, MedGen C0017921, MONDO:0009290, OMIM 232300.

Allele frequency attached by ClinVar (database versions not stated): gnomAD exomes below 0.00001 and 0.00001; ExAC 0.00002.
gnomAD v4.1: 1 of 1,612,382 alleles (0.000062%); highest among the groups gnomAD compares: Admixed American, 0.0017%; no homozygotes.

Submissions (2):

Labcorp Genetics (formerly Invitae), Labcorp
Classification: Uncertain significance for Glycogen storage disease, type II. Last evaluated: 2022-10-03. Review status: criteria provided, single submitter. Criteria: Invitae Variant Classification Sherloc (09022015). Collection method: clinical testing. Allele origin: germline.
Comment: In summary, the available evidence is currently insufficient to determine the role of this variant in disease. Therefore, it has been classified as a Variant of Uncertain Significance. Advanced modeling of protein sequence and biophysical properties (such as structural, functional, and spatial information, amino acid conservation, physicochemical variation, residue mobility, and thermodynamic stability) has been performed at Invitae for this missense variant, however the output from this modeling did not meet the statistical confidence thresholds required to predict the impact of this variant on GAA protein function. ClinVar contains an entry for this variant (Variation ID: 861916). This variant has not been reported in the literature in individuals affected with GAA-related conditions. The frequency data for this variant in the population databases is considered unreliable, as metrics indicate poor data quality at this position in the gnomAD database. This sequence change replaces tyrosine, which is neutral and polar, with histidine, which is basic and polar, at codon 110 of the GAA protein (p.Tyr110His).

Natera, Inc.
Classification: Uncertain significance for Glycogen storage disease type II. Last evaluated: 2020-09-16. Review status: no assertion criteria provided. Collection method: clinical testing. Allele origin: germline. Not counted in ClinVar's aggregate classification.